The following is an entry in ClinVar:

ClinVar aggregate classification (germline): Uncertain significance (1 of 4 stars; one submission).

Submission:

GeneDx
Classification: Uncertain significance. Last evaluated: 2026-02-15. Review status: criteria provided, single submitter. Criteria: GeneDx Variant Classification Process June 2021. Collection method: clinical testing. Allele origin: germline. Affected: yes.
Comment: Not observed at significant frequency in large population cohorts (gnomAD); In silico analysis supports that this missense variant has a deleterious effect on protein structure/function; Has not been previously published as pathogenic or benign to our knowledge

NM_000642.3(AGL):c.3308C>T (p.Thr1103Ile)

Gene: AGL (amylo-alpha-1,6-glucosidase and 4-alpha-glucanotransferase; plus strand). Cytogenetic location: 1p21.2.
Variant type: single nucleotide variant.
Coding change: c.3308C>T on transcript NM_000642.3 (MANE Select); coding-DNA position 3308, C replaced by T.
Protein change: p.Thr1103Ile; replaces threonine 1103 with isoleucine.
Molecular consequence: missense variant.
Genome position (GRCh38, 1-based): chr1:99,896,334, C>T. VCF-style: chr1-99896334-C-T. GRCh37 (hg19) VCF-style: chr1-100361890-C-T.
Other names: c.3308C>T, p.Thr1103Ile (NM_000028.3, NM_000643.3, NM_000644.3 and 1 more transcripts); c.3260C>T, p.Thr1087Ile (NM_000646.3); c.3287C>T, p.Thr1096Ile (NM_001425326.1); c.3107C>T, p.Thr1036Ile (NM_001425327.1); c.3104C>T, p.Thr1035Ile (NM_001425328.1); c.2969C>T, p.Thr990Ile (NM_001425329.1); c.2930C>T, p.Thr977Ile (NM_001425332.1); short protein forms T1087I, T1103I, T1035I, T1036I, T1096I, T977I, T990I.
Identifiers: ClinVar variation 1710832 (VCV001710832.3), dbSNP rs765984761, ClinGen allele CA341328611.